The following is an entry in ClinVar:

NM_001080517.3(SETD5):c.4142C>G (p.Ser1381Ter)

Gene: SETD5 (SET domain containing 5; plus strand). Cytogenetic location: 3p25.3.
Variant type: single nucleotide variant.
Coding change: c.4142C>G on transcript NM_001080517.3 (MANE Select); coding-DNA position 4142, C replaced by G.
Protein change: p.Ser1381Ter; replaces serine 1381 with a stop codon.
Molecular consequence: nonsense.
Genome position (GRCh38, 1-based): chr3:9,475,904, C>G. VCF-style: chr3-9475904-C-G. GRCh37 (hg19) VCF-style: chr3-9517588-C-G.
Other names: c.3848C>G, p.Ser1283Ter (NM_001292043.2, NM_001349451.2); short protein forms S1283*, S1381*.
Identifiers: ClinVar variation 3573670 (VCV003573670.1).

ClinVar aggregate classification (germline): Uncertain significance (1 of 4 stars; one submission).

Submission:

GeneDx
Classification: Uncertain significance. Last evaluated: 2024-07-14. Review status: criteria provided, single submitter. Criteria: GeneDx Variant Classification Process June 2021. Collection method: clinical testing. Allele origin: germline. Affected: yes.
Comment: Not observed at significant frequency in large population cohorts (gnomAD); Nonsense variant predicted to result in protein truncation as the last 62 amino acids are lost, although loss-of-function variants have not been reported downstream of this position in the protein; Has not been previously published as pathogenic or benign to our knowledge